The following is an entry in ClinVar:

ClinVar aggregate classification (germline): Uncertain significance (1 of 4 stars; one submission).

Submission:

Labcorp Genetics (formerly Invitae), Labcorp
Classification: Uncertain significance. Last evaluated: 2023-04-10. Review status: criteria provided, single submitter. Criteria: Invitae Variant Classification Sherloc (09022015). Collection method: clinical testing. Allele origin: germline.
Comment: In summary, the available evidence is currently insufficient to determine the role of this variant in disease. Therefore, it has been classified as a Variant of Uncertain Significance. Variants that disrupt the consensus splice site are a relatively common cause of aberrant splicing (PMID: 17576681, 9536098). Algorithms developed to predict the effect of sequence changes on RNA splicing suggest that this variant is not likely to affect RNA splicing. This variant has not been reported in the literature in individuals affected with MYO18B-related conditions. This variant is not present in population databases (gnomAD no frequency). This sequence change falls in intron 18 of the MYO18B gene. It does not directly change the encoded amino acid sequence of the MYO18B protein. It affects a nucleotide within the consensus splice site.

Literature cited by the submitters: PubMed 17576681; PubMed 9536098.

NM_032608.7(MYO18B):c.3368+3G>A

Gene: MYO18B (myosin XVIIIB; plus strand). Cytogenetic location: 22q12.1.
Variant type: single nucleotide variant.
Coding change: c.3368+3G>A on transcript NM_032608.7 (MANE Select); 3 bases into the intron after coding-DNA position 3368, G replaced by A.
Molecular consequence: intron variant.
Genome position (GRCh38, 1-based): chr22:25,843,897, G>A. VCF-style: chr22-25843897-G-A. GRCh37 (hg19) VCF-style: chr22-26239864-G-A.
Other names: c.3371+3G>A (NM_001318245.2).
Identifiers: ClinVar variation 2854540 (VCV002854540.3), dbSNP rs2517571252, ClinGen allele CA2739267843.